The following is an entry in ClinVar:

NM_005612.5(REST):c.3017ATGAAG[1] (p.1006DE[1])

Gene: REST (RE1 silencing transcription factor; plus strand). Cytogenetic location: 4q12.
Variant type: Microsatellite.
Coding change: c.3017ATGAAG[1] on transcript NM_005612.5 (MANE Select); one copy of the 6-base unit ATGAAG starting at c.3017; the reference has two copies in a row; one copy, 6 bases deleted.
Protein change: p.1006DE[1].
Molecular consequence: inframe deletion.
Genome position (GRCh38, 1-based): chr4:56,931,881-56,931,886, ATGAAG deleted; deleting any 6 consecutive bases within chr4:56,931,874-56,931,886 gives the same sequence; the position shown is the placement nearest the transcript's 3' end. VCF-style (leftmost placement, unchanged base first): chr4-56931873-TGATGAA-T. GRCh37 (hg19) VCF-style: chr4-57798039-TGATGAA-T.
Other names: c.3017ATGAAG[1], p.1006DE[1] (NM_001193508.2, NM_001363453.3); c.2933ATGAAG[1], p.978DE[1] (NM_001440532.1, NM_001440533.1).
Identifiers: ClinVar variation 5038114 (VCV005038114.1).

ClinVar aggregate classification (germline): Uncertain significance (1 of 4 stars; one submission).

Conditions:
Wilms tumor 6 (WT6). Also called: WILMS TUMOR 6, SUSCEPTIBILITY TO. Identifiers: Orphanet 654, MedGen C3891301, MONDO:0014779, OMIM 616806.

Submission:

MVZ Medizinische Genetik Mainz
Classification: Uncertain significance for Wilms tumor 6. Last evaluated: 2026-01-06. Review status: criteria provided, single submitter. Criteria: UK Practice Guidelines For Variant Classification V4 01 2020. Collection method: clinical testing. Allele origin: germline. Inheritance: Autosomal dominant inheritance. Affected: yes. Observed: 1 variant allele.
Comment: ACMG Criteria: PM2_SUP,PM4_SUP,PP3